The following is an entry in ClinVar:

ClinVar aggregate classification (germline): Uncertain significance (1 of 4 stars; one submission).

Allele frequency attached by ClinVar (database versions not stated): gnomAD 0.00001; TOPMed 0.00001; ExAC 0.00002; ESP Exome Variant Server 0.00008; 1000 Genomes Project 30x 0.00016; 1000 Genomes Project 0.00020.
gnomAD v4.1: 13 of 1,613,626 alleles (0.00081%); highest among the groups gnomAD compares: South Asian, 0.0066%; no homozygotes.

Submission:

GeneDx
Classification: Uncertain significance. Last evaluated: 2022-07-21. Review status: criteria provided, single submitter. Criteria: GeneDx Variant Classification Process June 2021. Collection method: clinical testing. Allele origin: germline. Affected: yes.
Comment: In silico analysis supports that this missense variant does not alter protein structure/function; Has not been previously published as pathogenic or benign to our knowledge

NM_032656.4(DHX37):c.116C>T (p.Thr39Met)

Gene: DHX37 (DEAH-box helicase 37; minus strand). Cytogenetic location: 12q24.31.
Variant type: single nucleotide variant.
Coding change: c.116C>T on transcript NM_032656.4 (MANE Select); coding-DNA position 116, C replaced by T.
Protein change: p.Thr39Met; replaces threonine 39 with methionine.
Molecular consequence: missense variant.
Genome position (GRCh38, 1-based): chr12:124,986,256, G>A on the plus strand (C>T on the coding strand, the complement: DHX37 is on the minus strand). VCF-style: chr12-124986256-G-A. GRCh37 (hg19) VCF-style: chr12-125470802-G-A.
Other names: short protein forms T39M.
Identifiers: ClinVar variation 2136178 (VCV002136178.1), dbSNP rs143890296, ClinGen allele CA6872545.